The following is an entry in ClinVar:

ClinVar aggregate classification (germline): Pathogenic (1 of 4 stars; one submission).

Conditions:
Primary ciliary dyskinesia. Also called: Ciliary dyskinesia. Identifiers: Orphanet 244, MedGen C0008780, MONDO:0016575, HP:0012265.

Submission:

Labcorp Genetics (formerly Invitae), Labcorp
Classification: Pathogenic for Primary ciliary dyskinesia. Last evaluated: 2021-10-13. Review status: criteria provided, single submitter. Criteria: Invitae Variant Classification Sherloc (09022015). Collection method: clinical testing. Allele origin: germline.
Comment: For these reasons, this variant has been classified as Pathogenic. This variant has not been reported in the literature in individuals affected with DNAI2-related conditions. This variant is a gross deletion of the genomic region encompassing exon(s) 7 of the DNAI2 gene. This deletion is out-of-frame, and is expected to create a premature termination codon and result in an absent or disrupted protein product. Loss-of-function variants in DNAI2 are known to be pathogenic (PMID: 18950741, 23891469).

Literature cited by the submitters: PubMed 18950741; PubMed 23891469.

NC_000017.10:g.(?_72295847)_(72296006_?)del

Gene: DNAI2 (dynein axonemal intermediate chain 2; plus strand). Cytogenetic location: 17q25.1.
Variant type: Deletion.
Identifiers: ClinVar variation 1456777 (VCV001456777.12).